The following is an entry in ClinVar:

ClinVar aggregate classification (germline): Uncertain significance. Review status: criteria provided, multiple submitters, no conflicts (2 of 4 stars). 2 submissions from 2 submitters: Uncertain significance (2). Last evaluated 2025-08-01.

Conditions:
Inborn genetic diseases. Identifiers: MedGen C0950123, MeSH D030342.

gnomAD v4.1: 5 of 1,546,640 alleles (0.00032%); highest among the groups gnomAD compares: African/African-American, 0.0014%; no homozygotes.

Submissions (2):

Ambry Genetics
Classification: Uncertain significance for Inborn genetic diseases. Last evaluated: 2025-08-01. Review status: criteria provided, single submitter. Criteria: Ambry Variant Classification Scheme 2023. Collection method: clinical testing. Allele origin: germline.

Labcorp Genetics (formerly Invitae), Labcorp
Classification: Uncertain significance. Last evaluated: 2022-03-23. Review status: criteria provided, single submitter. Criteria: Invitae Variant Classification Sherloc (09022015). Collection method: clinical testing. Allele origin: germline.
Comment: This sequence change replaces alanine, which is neutral and non-polar, with valine, which is neutral and non-polar, at codon 7 of the EIF2B4 protein (p.Ala7Val). This variant is not present in population databases (gnomAD no frequency). This variant has not been reported in the literature in individuals affected with EIF2B4-related conditions. Algorithms developed to predict the effect of missense changes on protein structure and function are either unavailable or do not agree on the potential impact of this missense change (SIFT: "Tolerated"; PolyPhen-2: "Probably Damaging"; Align-GVGD: "Class C0"). In summary, the available evidence is currently insufficient to determine the role of this variant in disease. Therefore, it has been classified as a Variant of Uncertain Significance.

NM_001034116.2(EIF2B4):c.20C>T (p.Ala7Val)

Gene: EIF2B4 (eukaryotic translation initiation factor 2B subunit delta; minus strand). Cytogenetic location: 2p23.3.
Variant type: single nucleotide variant.
Coding change: c.20C>T on transcript NM_001034116.2 (MANE Select); coding-DNA position 20, C replaced by T.
Protein change: p.Ala7Val; replaces alanine 7 with valine.
Molecular consequence: missense variant. On other transcripts: 5 prime UTR variant (3).
Genome position (GRCh38, 1-based): chr2:27,370,295, G>A on the plus strand (C>T on the coding strand, the complement: EIF2B4 is on the minus strand). VCF-style: chr2-27370295-G-A. GRCh37 (hg19) VCF-style: chr2-27593162-G-A.
Other names: c.-204C>T (NM_001318966.2); c.-67C>T (NM_001318967.2); c.-573C>T (NM_001318969.2); c.20C>T, p.Ala7Val (NM_015636.4); c.20C>T (NM_015636.3); short protein forms A7V.
Identifiers: ClinVar variation 2187762 (VCV002187762.2), dbSNP rs764607200, ClinGen allele CA1577076.